The following is an entry in ClinVar:

NM_012469.4(PRPF6):c.2496T>C (p.Asp832=)

Gene: PRPF6 (pre-mRNA processing factor 6; plus strand). Cytogenetic location: 20q13.33.
Variant type: single nucleotide variant.
Coding change: c.2496T>C on transcript NM_012469.4 (MANE Select); coding-DNA position 2496, T replaced by C.
Protein change: p.Asp832=; no amino-acid change (aspartic acid 832 retained).
Molecular consequence: synonymous variant.
Genome position (GRCh38, 1-based): chr20:64,029,441, T>C. VCF-style: chr20-64029441-T-C. GRCh37 (hg19) VCF-style: chr20-62660794-T-C.
Identifiers: ClinVar variation 339485 (VCV000339485.14), dbSNP rs190821097, ClinGen allele CA9972502.

ClinVar aggregate classification (germline): Benign/Likely benign. Review status: criteria provided, multiple submitters, no conflicts (2 of 4 stars). 4 submissions from 4 submitters: Benign (2); Likely benign (2). Last evaluated 2025-07-21.

Conditions:
Retinal dystrophy. Also called: Inherited retinal dystrophy. Identifiers: Orphanet 71862, MedGen C0854723, MeSH D058499, MONDO:0019118, HP:0000556.
Retinitis pigmentosa (RP). Identifiers: Orphanet 791, MedGen C0035334, MeSH D012174, MONDO:0019200, OMIM 268000. Inheritance: Autosomal dominant, autosomal recessive and X linked inheritance.

Allele frequency attached by ClinVar (database versions not stated): gnomAD 0.00003 and 0.00006; TOPMed 0.00006; gnomAD exomes 0.00008 and 0.00010; ExAC 0.00012; 1000 Genomes Project 30x 0.00016; 1000 Genomes Project 0.00020.
gnomAD v4.1: 153 of 1,614,212 alleles (0.0095%); highest among the groups gnomAD compares: East Asian, 0.34%; no homozygotes.

Submissions (4):

Labcorp Genetics (formerly Invitae), Labcorp
Classification: Benign. Last evaluated: 2025-07-21. Review status: criteria provided, single submitter. Criteria: Invitae Variant Classification Sherloc (09022015). Collection method: clinical testing. Allele origin: germline.

Blueprint Genetics
Classification: Likely benign. Last evaluated: 2023-12-11. Review status: criteria provided, single submitter. Criteria: ACMG Guidelines, 2015. Collection method: clinical testing. Allele origin: germline.

Dept Of Ophthalmology, Nagoya University
Classification: Benign for Retinal dystrophy. Last evaluated: 2023-10-01. Review status: criteria provided, single submitter. Criteria: Submitter's publication. Collection method: research. Allele origin: germline. Affected: yes.

Illumina Laboratory Services, Illumina
Classification: Likely benign for Retinitis pigmentosa. Last evaluated: 2018-01-12. Review status: criteria provided, single submitter. Criteria: ICSL Variant Classification Criteria 13 December 2019. Collection method: clinical testing. Allele origin: germline.
Comment: This variant was observed in the ICSL laboratory as part of a predisposition screen in an ostensibly healthy population. It had not been previously curated by ICSL or reported in the Human Gene Mutation Database (HGMD: prior to June 1st, 2018), and was therefore a candidate for classification through an automated scoring system. Utilizing variant allele frequency, disease prevalence and penetrance estimates, and inheritance mode, an automated score was calculated to assess if this variant is too frequent to cause the disease. Based on the score and internal cut-off values, a variant classified as likely benign is not then subjected to further curation. The score for this variant resulted in a classification of likely benign for this disease.